The following is an entry in ClinVar:

NM_003922.4(HERC1):c.4124G>A (p.Arg1375Gln)

Gene: HERC1 (HECT and RLD domain containing E3 ubiquitin protein ligase family member 1; minus strand). Cytogenetic location: 15q22.31.
Variant type: single nucleotide variant.
Coding change: c.4124G>A on transcript NM_003922.4 (MANE Select); coding-DNA position 4124, G replaced by A.
Protein change: p.Arg1375Gln; replaces arginine 1375 with glutamine.
Molecular consequence: missense variant.
Genome position (GRCh38, 1-based): chr15:63,716,328, C>T on the plus strand (G>A on the coding strand, the complement: HERC1 is on the minus strand). VCF-style: chr15-63716328-C-T. GRCh37 (hg19) VCF-style: chr15-64008527-C-T.
Other names: short protein forms R1375Q.
Identifiers: ClinVar variation 1223153 (VCV001223153.3), dbSNP rs541583356, ClinGen allele CA7605874.

ClinVar aggregate classification (germline): Uncertain significance (1 of 4 stars; one submission).

Allele frequency attached by ClinVar (database versions not stated): TOPMed 0.00001; gnomAD exomes 0.00011 and 0.00022; gnomAD 0.00012; 1000 Genomes Project 30x 0.00016; 1000 Genomes Project 0.00020; ExAC 0.00022.
gnomAD v4.1: 173 of 1,613,624 alleles (0.011%); highest among the groups gnomAD compares: South Asian, 0.18%; no homozygotes.

Submission:

GeneDx
Classification: Uncertain significance. Last evaluated: 2019-07-19. Review status: criteria provided, single submitter. Criteria: GeneDx Variant Classification Process June 2021. Collection method: clinical testing. Allele origin: germline. Affected: yes.
Comment: In silico analysis, which includes protein predictors and evolutionary conservation, supports that this variant does not alter protein structure/function; Has not been previously published as pathogenic or benign to our knowledge